The following is an entry in ClinVar:

NM_005359.6(SMAD4):c.638A>G (p.Asn213Ser)

Gene: SMAD4 (SMAD family member 4; plus strand). Cytogenetic location: 18q21.2.
Variant type: single nucleotide variant.
Coding change: c.638A>G on transcript NM_005359.6 (MANE Select); coding-DNA position 638, A replaced by G.
Protein change: p.Asn213Ser; replaces asparagine 213 with serine.
Molecular consequence: missense variant.
Genome position (GRCh38, 1-based): chr18:51,054,964, A>G. VCF-style: chr18-51054964-A-G. GRCh37 (hg19) VCF-style: chr18-48581334-A-G.
Other names: p.Asn213Ser; short protein forms N213S.
Identifiers: ClinVar variation 460561 (VCV000460561.24), dbSNP rs757977781, ClinGen allele CA8965840.
Genomic context (GRCh38, chr18:51,054,964, plus strand): 5'-AGACATACAGCACCCCAGCTCTGTTAGCCCCATCTGAGTCTAATGCTACCAGCACTGCCA[A>G]CTTTCCCAACATTCCTGTGGCTTCCACAAGTGAGTTCTAGAATCAGATGTAGTCAGCAAG-3'
Protein context (NP_005350.1, residues 203-223): PSESNATSTA[Asn213Ser]FPNIPVASTS

ClinVar aggregate classification (germline): Conflicting classifications of pathogenicity. Review status: criteria provided, conflicting classifications (1 of 4 stars). 6 submissions from 6 submitters: Uncertain significance (4); Benign (1); Likely benign (1). Last evaluated 2026-01-07.

Conditions:
Hereditary cancer-predisposing syndrome. Also called: Neoplastic Syndromes, Hereditary; Tumor predisposition; Hereditary neoplastic syndrome; Hereditary Cancer Syndrome. Identifiers: Orphanet 140162, MedGen C0027672, MeSH D009386, MONDO:0015356.
Familial thoracic aortic aneurysm and aortic dissection (TAAD). Also called: Thoracic aortic aneurysms and dissections. Identifiers: Orphanet 91387, MedGen C4707243, MONDO:0019625.
Juvenile polyposis syndrome (JPS). Identifiers: Orphanet 2929, MedGen C0345893, MONDO:0017380, OMIM 174900.
Juvenile polyposis/hereditary hemorrhagic telangiectasia syndrome (JPHT). Also called: JP/HHT SYNDROME; JUVENILE POLYPOSIS WITH HEREDITARY HEMORRHAGIC TELANGIECTASIA; Juvenile Polyposis Syndrome / Hereditary Hemorrhagic Telangiectasia (JPS/HHT); POLYPOSIS, GENERALIZED JUVENILE, WITH PULMONARY ARTERIOVENOUS MALFORMATION; TELANGIECTASIA, HEREDITARY HEMORRHAGIC, WITH JUVENILE POLYPOSIS COLI. Identifiers: Orphanet 2929, MedGen C1832942, MONDO:0008278, OMIM 175050.

Allele frequency attached by ClinVar (database versions not stated): gnomAD exomes 0.00001 and below 0.00001; gnomAD 0.00001; ExAC 0.00001; TOPMed 0.00002.

Submissions (6):

Labcorp Genetics (formerly Invitae), Labcorp
Classification: Benign for Juvenile polyposis syndrome. Last evaluated: 2026-01-07. Review status: criteria provided, single submitter. Criteria: Invitae Variant Classification Sherloc (09022015). Collection method: clinical testing. Allele origin: germline.

Dasa
Classification: Uncertain significance for Juvenile polyposis syndrome. Last evaluated: 2025-12-19. Review status: criteria provided, single submitter. Criteria: DASA Assertion Criteria. Collection method: clinical testing. Allele origin: germline.
Comment: NM_005359.6(SMAD4):c.638A>G (p.Asn213Ser) is a missense variant that results in the substitution of asparagine with serine. This variant is rare in population databases. The currently available literature and clinical evidence are not sufficient to establish a definitive association between this variant and the reported condition. Therefore, this variant is classified as a variant of uncertain significance.

Mayo Clinic Laboratories, Mayo Clinic
Classification: Uncertain significance. Last evaluated: 2025-02-09. Review status: criteria provided, single submitter. Criteria: ACMG Guidelines, 2015. Collection method: clinical testing. Allele origin: germline. Observed: 1 variant allele.
Comment: BP4, PM2_supporting

Color Diagnostics, LLC DBA Color Health
Classification: Uncertain significance for Hereditary cancer-predisposing syndrome. Last evaluated: 2024-03-06. Review status: criteria provided, single submitter. Criteria: ACMG Guidelines, 2015. Collection method: clinical testing. Allele origin: germline.
Comment: This missense variant replaces asparagine with serine at codon 213 of the SMAD4 protein. Computational prediction suggests that this variant may not impact protein structure and function (internally defined REVEL score threshold <= 0.5, PMID: 27666373). To our knowledge, functional studies have not been reported for this variant. This variant has not been reported in individuals affected with hereditary cancer in the literature. This variant has been identified in 1/251474 chromosomes in the general population by the Genome Aggregation Database (gnomAD). The available evidence is insufficient to determine the role of this variant in disease conclusively. Therefore, this variant is classified as a Variant of Uncertain Significance.

All of Us Research Program, National Institutes of Health
Classification: Uncertain significance for Juvenile polyposis/hereditary hemorrhagic telangiectasia syndrome. Last evaluated: 2023-06-26. Review status: criteria provided, single submitter. Criteria: ACMG Guidelines, 2015. Collection method: clinical testing. Allele origin: germline. Inheritance: Autosomal dominant inheritance. Observed: 3 variant alleles, 3 heterozygotes.
Comment: This missense variant replaces asparagine with serine at codon 213 of the SMAD4 protein. Computational prediction suggests that this variant may not impact protein structure and function (internally defined REVEL score threshold <= 0.5, PMID: 27666373). To our knowledge, functional studies have not been reported for this variant. This variant has not been reported in individuals affected with hereditary cancer in the literature. This variant has been identified in 1/251474 chromosomes in the general population by the Genome Aggregation Database (gnomAD). The available evidence is insufficient to determine the role of this variant in disease conclusively. Therefore, this variant is classified as a Variant of Uncertain Significance.

This study involves interpretation of variants in research participants for the purpose of population health screening. Participant phenotype was not available at the time of variant classification. Additional details can be found in publication PMID: 35346344, PMCID: PMC8962531

Ambry Genetics
Classification: Likely benign for Hereditary cancer-predisposing syndrome; Familial thoracic aortic aneurysm and aortic dissection. Last evaluated: 2022-11-01. Review status: criteria provided, single submitter. Criteria: Ambry Variant Classification Scheme 2023. Collection method: clinical testing. Allele origin: germline.